The following is an entry in ClinVar:

ClinVar aggregate classification (germline): Uncertain significance (1 of 4 stars; one submission).

Allele frequency attached by ClinVar (database versions not stated): gnomAD 0.00001; gnomAD exomes 0.00001; TOPMed 0.00002; ESP Exome Variant Server 0.00015.
gnomAD v4.1: 15 of 1,613,178 alleles (0.00093%); highest among the groups gnomAD compares: Admixed American, 0.0017%; no homozygotes.

Submission:

Labcorp Genetics (formerly Invitae), Labcorp
Classification: Uncertain significance. Last evaluated: 2021-08-31. Review status: criteria provided, single submitter. Criteria: Invitae Variant Classification Sherloc (09022015). Collection method: clinical testing. Allele origin: germline.
Comment: This sequence change replaces serine with proline at codon 317 of the TRAF3IP1 protein (p.Ser317Pro). The serine residue is moderately conserved and there is a moderate physicochemical difference between serine and proline. This variant is not present in population databases (ExAC no frequency). This variant has not been reported in the literature in individuals affected with TRAF3IP1-related conditions. Algorithms developed to predict the effect of missense changes on protein structure and function output the following: SIFT: "Tolerated"; PolyPhen-2: "Benign"; Align-GVGD: "Class C0". The proline amino acid residue is found in multiple mammalian species, which suggests that this missense change does not adversely affect protein function. In summary, the available evidence is currently insufficient to determine the role of this variant in disease. Therefore, it has been classified as a Variant of Uncertain Significance.

NM_015650.4(TRAF3IP1):c.949T>C (p.Ser317Pro)

Gene: TRAF3IP1 (TRAF3 interacting protein 1; plus strand). Cytogenetic location: 2q37.3.
Variant type: single nucleotide variant.
Coding change: c.949T>C on transcript NM_015650.4 (MANE Select); coding-DNA position 949, T replaced by C.
Protein change: p.Ser317Pro; replaces serine 317 with proline.
Molecular consequence: missense variant.
Genome position (GRCh38, 1-based): chr2:238,332,857, T>C. VCF-style: chr2-238332857-T-C. GRCh37 (hg19) VCF-style: chr2-239241498-T-C.
Other names: c.949T>C, p.Ser317Pro (NM_001139490.1); short protein forms S317P.
Identifiers: ClinVar variation 1494060 (VCV001494060.5), dbSNP rs145353855, ClinGen allele CA67983261.
Genomic context (GRCh38, chr2:238,332,857, plus strand): 5'-AGTTTGAATTTTTTTTTTTTTTAATAGTCAGCAAGCTCAGGGGAGATGTCTAAAAAGTTA[T>C]CAGATGGAACTTTTAAAGACTCCAAGGCTGAAACAGAGGTAAACTTTAAAAAATAACTTT-3'
Protein context (NP_056465.2, residues 307-327): ASSGEMSKKL[Ser317Pro]DGTFKDSKAE